The following is an entry in ClinVar:

ClinVar aggregate classification (germline): Uncertain significance (1 of 4 stars; one submission).

Conditions:
Isolated microphthalmia 5. Also called: Posterior Microphthalmia with Retinitis Pigmentosa, Foveoschisis, and Optic Disc Drusen. Identifiers: Orphanet 251279, MedGen C1970236, MONDO:0012605, OMIM 611040.

Allele frequency attached by ClinVar (database versions not stated): TOPMed 0.00003.
gnomAD v4.1: 57 of 1,610,448 alleles (0.0035%); highest among the groups gnomAD compares: Non-Finnish European, 0.0047%; no homozygotes.

Submission:

Labcorp Genetics (formerly Invitae), Labcorp
Classification: Uncertain significance for Isolated microphthalmia 5. Last evaluated: 2022-05-27. Review status: criteria provided, single submitter. Criteria: Invitae Variant Classification Sherloc (09022015). Collection method: clinical testing. Allele origin: germline.
Comment: In summary, the available evidence is currently insufficient to determine the role of this variant in disease. Therefore, it has been classified as a Variant of Uncertain Significance. Algorithms developed to predict the effect of missense changes on protein structure and function are either unavailable or do not agree on the potential impact of this missense change (SIFT: "Deleterious"; PolyPhen-2: "Possibly Damaging"; Align-GVGD: "Class C0"). This missense change has been observed in individual(s) with microphthalmos/nanophthalmos and retinal dystrophy (PMID: 32052405). In at least one individual the data is consistent with being in trans (on the opposite chromosome) from a pathogenic variant. This variant is not present in population databases (gnomAD no frequency). This sequence change replaces glycine, which is neutral and non-polar, with valine, which is neutral and non-polar, at codon 503 of the MFRP protein (p.Gly503Val).

Literature cited by the submitters: PubMed 32052405.

NM_031433.4(MFRP):c.1508G>T (p.Gly503Val)

Genes: C1QTNF5 (C1q and TNF related 5; minus strand), MFRP (membrane frizzled-related protein; minus strand). Cytogenetic location: 11q23.3.
Variant type: single nucleotide variant.
Coding change: c.1508G>T on transcript NM_031433.4 (MANE Select); coding-DNA position 1508, G replaced by T.
Protein change: p.Gly503Val; replaces glycine 503 with valine.
Molecular consequence: missense variant. On other transcripts: 5 prime UTR variant (1).
Genome position (GRCh38, 1-based): chr11:119,341,864, C>A on the plus strand (G>T on the coding strand, the complement: MFRP is on the minus strand). VCF-style: chr11-119341864-C-A. GRCh37 (hg19) VCF-style: chr11-119212574-C-A.
Other names: c.-1129G>T (NM_015645.5); short protein forms G503V.
Identifiers: ClinVar variation 2046728 (VCV002046728.3), dbSNP rs750160394, ClinGen allele CA229675208.